The following is an entry in ClinVar:

ClinVar aggregate classification (germline): Likely benign. Review status: criteria provided, multiple submitters, no conflicts (2 of 4 stars). 2 submissions from 2 submitters: Likely benign (2). Last evaluated 2026-04-18.

Conditions:
GNAS-related disorder. Identifiers: MedGen CN380105.

Allele frequency attached by ClinVar (database versions not stated): ExAC 0.00003; gnomAD 0.00005; TOPMed 0.00005.
gnomAD v4.1: 20 of 1,613,646 alleles (0.0012%); highest among the groups gnomAD compares: African/African-American, 0.012%; no homozygotes.

Submissions (2):

PreventionGenetics, part of Exact Sciences
Classification: Likely benign for GNAS-related condition. Last evaluated: 2026-04-18. Review status: criteria provided, single submitter. Criteria: ACMG Guidelines, 2015. Collection method: clinical testing. Allele origin: germline.
Comment: This variant is classified as likely benign based on ACMG/AMP sequence variant interpretation guidelines (Richards et al. 2015 PMID: 25741868, with internal and published modifications).

Labcorp Genetics (formerly Invitae), Labcorp
Classification: Likely benign. Last evaluated: 2023-11-27. Review status: criteria provided, single submitter. Criteria: Invitae Variant Classification Sherloc (09022015). Collection method: clinical testing. Allele origin: germline.

NM_000516.7(GNAS):c.231G>A (p.Pro77=)

Gene: GNAS (GNAS complex locus; plus strand). Cytogenetic location: 20q13.32.
Variant type: single nucleotide variant.
Coding change: c.231G>A on transcript NM_000516.7 (MANE Select); coding-DNA position 231, G replaced by A.
Protein change: p.Pro77=; no amino-acid change (proline 77 retained).
Molecular consequence: synonymous variant. On other transcripts: 3 prime UTR variant (3), non-coding transcript variant (2), intron variant (3).
Genome position (GRCh38, 1-based): chr20:58,898,959, G>A. VCF-style: chr20-58898959-G-A. GRCh37 (hg19) VCF-style: chr20-57474014-G-A.
Other names: c.231G>A (NM_000516.5); c.231G>A, p.Pro77= (NM_001077488.5, NM_001309842.2); c.*92G>A (NM_001077490.3); c.54G>A, p.Pro18= (NM_001309840.2, NM_001309861.2); c.*250G>A (NM_001309883.1); c.135G>A, p.Pro45= (NM_001410912.1); c.*134G>A (NM_016592.5); c.2160G>A, p.Pro720= (NM_080425.4); and 2 more.
Identifiers: ClinVar variation 2959150 (VCV002959150.4), dbSNP rs756233440, ClinGen allele CA9926943.